The following is an entry in ClinVar:

ClinVar aggregate classification (germline): Uncertain significance (1 of 4 stars; one submission).

Conditions:
Renal cell carcinoma. Identifiers: Orphanet 217071, MedGen C0007134, MeSH D002292, MONDO:0005086, HP:0005584.

Submission:

Labcorp Genetics (formerly Invitae), Labcorp
Classification: Uncertain significance for Renal cell carcinoma. Last evaluated: 2025-07-21. Review status: criteria provided, single submitter. Criteria: Invitae Variant Classification Sherloc (09022015). Collection method: clinical testing. Allele origin: germline.
Comment: This sequence change creates a premature translational stop signal (p.Ser1055Argfs*22) in the MET gene. It is expected to result in an absent or disrupted protein product. However, the current clinical and genetic evidence is not sufficient to establish whether loss-of-function variants in MET cause disease. This variant is not present in population databases (gnomAD no frequency). This variant has not been reported in the literature in individuals affected with MET-related conditions. In summary, the available evidence is currently insufficient to determine the role of this variant in disease. Therefore, it has been classified as a Variant of Uncertain Significance.

NM_000245.4(MET):c.3111del (p.Ser1037fs)

Gene: MET (MET proto-oncogene, receptor tyrosine kinase; plus strand). Cytogenetic location: 7q31.2.
Variant type: Deletion.
Coding change: c.3111del on transcript NM_000245.4 (MANE Select); coding-DNA position 3111, one base deleted (T; older notation c.3111delT).
Protein change: p.Ser1037fs; shifts the reading frame from serine 1037.
Molecular consequence: frameshift variant.
Genome position (GRCh38, 1-based): chr7:116,774,963, T deleted. VCF-style (leftmost placement, unchanged base first): chr7-116774962-GT-G. GRCh37 (hg19) VCF-style: chr7-116415016-GT-G.
Other names: c.3165del, p.Ser1055fs (NM_001127500.3); c.1821del, p.Ser607fs (NM_001324402.2); short protein forms S607fs, S1037fs, S1055fs.
Identifiers: ClinVar variation 4723589 (VCV004723589.1).